The following is an entry in ClinVar:

NM_003907.3(EIF2B5):c.250del (p.Thr84fs)

Gene: EIF2B5 (eukaryotic translation initiation factor 2B subunit epsilon; plus strand). Cytogenetic location: 3q27.1.
Variant type: Deletion.
Coding change: c.250del on transcript NM_003907.3 (MANE Select); coding-DNA position 250, one base deleted (A; older notation c.250delA).
Protein change: p.Thr84fs; shifts the reading frame from threonine 84.
Molecular consequence: frameshift variant.
Genome position (GRCh38, 1-based): chr3:184,136,666, A deleted. VCF-style (leftmost placement, unchanged base first): chr3-184136665-GA-G. GRCh37 (hg19) VCF-style: chr3-183854453-GA-G.
Other names: short protein forms T84fs.
Identifiers: ClinVar variation 2098216 (VCV002098216.4), dbSNP rs2473659580, ClinGen allele CA2580070470.

ClinVar aggregate classification (germline): Pathogenic (1 of 4 stars; one submission).

Allele frequency attached by ClinVar (database versions not stated): gnomAD exomes below 0.00001.

Submission:

Labcorp Genetics (formerly Invitae), Labcorp
Classification: Pathogenic. Last evaluated: 2022-06-10. Review status: criteria provided, single submitter. Criteria: Invitae Variant Classification Sherloc (09022015). Collection method: clinical testing. Allele origin: germline.
Comment: For these reasons, this variant has been classified as Pathogenic. This premature translational stop signal has been observed in individual(s) with leukoencephalopathy with vanishing white matter (PMID: 33432707). This variant is not present in population databases (gnomAD no frequency). This sequence change creates a premature translational stop signal (p.Thr84Leufs*24) in the EIF2B5 gene. It is expected to result in an absent or disrupted protein product. Loss-of-function variants in EIF2B5 are known to be pathogenic (PMID: 11704758, 15060152, 21307862).

Literature cited by the submitters: PubMed 33432707; PubMed 11704758; PubMed 15060152; PubMed 21307862.